The following is an entry in ClinVar:

ClinVar aggregate classification (germline): Pathogenic (1 of 4 stars; one submission).

Conditions:
Telangiectasia, hereditary hemorrhagic, type 2 (HHT2). Also called: ACVRL1-Related Hereditary Hemorrhagic Telangiectasia; Telangiectasia, hereditary hemorrhagic, type II. Identifiers: Orphanet 774, MedGen C1838163, MONDO:0010880, OMIM 600376. Disease mechanism: loss of function.

Submission:

Labcorp Genetics (formerly Invitae), Labcorp
Classification: Pathogenic for Telangiectasia, hereditary hemorrhagic, type 2. Last evaluated: 2025-04-23. Review status: criteria provided, single submitter. Criteria: Invitae Variant Classification Sherloc (09022015). Collection method: clinical testing. Allele origin: germline.
Comment: This sequence change replaces tryptophan, which is neutral and slightly polar, with cysteine, which is neutral and slightly polar, at codon 472 of the ACVRL1 protein (p.Trp472Cys). This variant is not present in population databases (gnomAD no frequency). This missense change has been observed in individual(s) with hereditary hemorrhagic telangiectasia (internal data). ClinVar contains an entry for this variant (Variation ID: 652327). Invitae Evidence Modeling of protein sequence and biophysical properties (such as structural, functional, and spatial information, amino acid conservation, physicochemical variation, residue mobility, and thermodynamic stability) indicates that this missense variant is expected to disrupt ACVRL1 protein function with a positive predictive value of 95%. For these reasons, this variant has been classified as Pathogenic.

NM_000020.3(ACVRL1):c.1416G>T (p.Trp472Cys)

Gene: ACVRL1 (activin A receptor like type 1; plus strand). Cytogenetic location: 12q13.13.
Variant type: single nucleotide variant.
Coding change: c.1416G>T on transcript NM_000020.3 (MANE Select); coding-DNA position 1416, G replaced by T.
Protein change: p.Trp472Cys; replaces tryptophan 472 with cysteine.
Molecular consequence: missense variant.
Genome position (GRCh38, 1-based): chr12:51,920,797, G>T. VCF-style: chr12-51920797-G-T. GRCh37 (hg19) VCF-style: chr12-52314581-G-T.
Other names: c.1416G>T, p.Trp472Cys (NM_001077401.2); short protein forms W472C.
Identifiers: ClinVar variation 652327 (VCV000652327.10), dbSNP rs1060503243, ClinGen allele CA384905521.